The following is an entry in ClinVar:

NM_007325.5(GRIA3):c.35T>C (p.Leu12Pro)

Gene: GRIA3 (glutamate ionotropic receptor AMPA type subunit 3; plus strand). Cytogenetic location: Xq25.
Variant type: single nucleotide variant.
Coding change: c.35T>C on transcript NM_007325.5 (MANE Select); coding-DNA position 35, T replaced by C.
Protein change: p.Leu12Pro; replaces leucine 12 with proline.
Molecular consequence: missense variant.
Genome position (GRCh38, 1-based): chrX:123,184,570, T>C. VCF-style: chrX-123184570-T-C. GRCh37 (hg19) VCF-style: chrX-122318422-T-C.
Other names: c.35T>C, p.Leu12Pro (NM_000828.5, NM_001256743.2); short protein forms L12P.
Identifiers: ClinVar variation 2775772 (VCV002775772.3), dbSNP rs779764392, ClinGen allele CA10506804.
Genomic context (GRCh38, chrX:123,184,570, plus strand): 5'-CTTGTCAGCTTCGTTTTAGGCGTAGCATGGCCAGGCAGAAGAAAATGGGGCAAAGCGTGC[T>C]CCGGGCGGTCTTCTTTTTAGTCCTGGGGCTTTTGGGTCATTCTCACGGAGGATTCCCCAA-3'
Protein context (NP_015564.5, residues 2-22): ARQKKMGQSV[Leu12Pro]RAVFFLVLGL

ClinVar aggregate classification (germline): Uncertain significance (1 of 4 stars; one submission).

Allele frequency attached by ClinVar (database versions not stated): gnomAD exomes below 0.00001; ExAC 0.00001.
gnomAD v4.1: 5 of 1,210,252 alleles (0.00041%); highest among the groups gnomAD compares: Admixed American, 0.0087%; no homozygotes.

Submission:

Labcorp Genetics (formerly Invitae), Labcorp
Classification: Uncertain significance. Last evaluated: 2025-06-03. Review status: criteria provided, single submitter. Criteria: Invitae Variant Classification Sherloc (09022015). Collection method: clinical testing. Allele origin: germline.
Comment: This sequence change replaces leucine, which is neutral and non-polar, with proline, which is neutral and non-polar, at codon 12 of the GRIA3 protein (p.Leu12Pro). This variant is present in population databases (rs779764392, gnomAD 0.01%). This variant has not been reported in the literature in individuals affected with GRIA3-related conditions. ClinVar contains an entry for this variant (Variation ID: 2775772). An algorithm developed to predict the effect of missense changes on protein structure and function (PolyPhen-2) suggests that this variant is likely to be disruptive. In summary, the available evidence is currently insufficient to determine the role of this variant in disease. Therefore, it has been classified as a Variant of Uncertain Significance.